The following is an entry in ClinVar:

NM_001211.6(BUB1B):c.1519G>A (p.Glu507Lys)

Gene: BUB1B (BUB1 mitotic checkpoint serine/threonine kinase B; plus strand). Cytogenetic location: 15q15.1.
Variant type: single nucleotide variant.
Coding change: c.1519G>A on transcript NM_001211.6 (MANE Select); coding-DNA position 1519, G replaced by A.
Protein change: p.Glu507Lys; replaces glutamic acid 507 with lysine.
Molecular consequence: missense variant.
Genome position (GRCh38, 1-based): chr15:40,200,932, G>A. VCF-style: chr15-40200932-G-A. GRCh37 (hg19) VCF-style: chr15-40493133-G-A.
Other names: short protein forms E507K.
Identifiers: ClinVar variation 1774375 (VCV001774375.5), dbSNP rs918041637, ClinGen allele CA268795101.

ClinVar aggregate classification (germline): Uncertain significance. Review status: criteria provided, multiple submitters, no conflicts (2 of 4 stars). 2 submissions from 2 submitters: Uncertain significance (2). Last evaluated 2024-01-27.

Conditions:
Inborn genetic diseases. Identifiers: MedGen C0950123, MeSH D030342.
Mosaic variegated aneuploidy syndrome 1 (MVA1). Also called: Warburton-Anyane-Yeboa syndrome. Identifiers: Orphanet 1052, MedGen C1850343, MONDO:0009759, OMIM 257300.

Allele frequency attached by ClinVar (database versions not stated): gnomAD exomes below 0.00001.
gnomAD v4.1: 2 of 1,613,242 alleles (0.00012%); highest among the groups gnomAD compares: Middle Eastern, 0.017%; no homozygotes.

Submissions (2):

Ambry Genetics
Classification: Uncertain significance for Inborn genetic diseases. Last evaluated: 2024-01-27. Review status: criteria provided, single submitter. Criteria: Ambry Variant Classification Scheme 2023. Collection method: clinical testing. Allele origin: germline.
Comment: The p.E507K variant (also known as c.1519G>A), located in coding exon 12 of the BUB1B gene, results from a G to A substitution at nucleotide position 1519. The glutamic acid at codon 507 is replaced by lysine, an amino acid with similar properties. This amino acid position is conserved. In addition, this alteration is predicted to be tolerated by in silico analysis. Since supporting evidence is limited at this time, the clinical significance of this alteration remains unclear.

Labcorp Genetics (formerly Invitae), Labcorp
Classification: Uncertain significance for Mosaic variegated aneuploidy syndrome 1. Last evaluated: 2023-03-23. Review status: criteria provided, single submitter. Criteria: Invitae Variant Classification Sherloc (09022015). Collection method: clinical testing. Allele origin: germline.
Comment: This sequence change replaces glutamic acid, which is acidic and polar, with lysine, which is basic and polar, at codon 507 of the BUB1B protein (p.Glu507Lys). This variant is not present in population databases (gnomAD no frequency). This variant has not been reported in the literature in individuals affected with BUB1B-related conditions. ClinVar contains an entry for this variant (Variation ID: 1774375). Algorithms developed to predict the effect of missense changes on protein structure and function output the following: SIFT: "Not Available"; PolyPhen-2: "Benign"; Align-GVGD: "Not Available". The lysine amino acid residue is found in multiple mammalian species, which suggests that this missense change does not adversely affect protein function. In summary, the available evidence is currently insufficient to determine the role of this variant in disease. Therefore, it has been classified as a Variant of Uncertain Significance.